The following is an entry in ClinVar:

NM_001375462.1(LPP):c.1087C>T (p.Pro363Ser)

Gene: LPP (LIM domain containing preferred translocation partner in lipoma; plus strand). Cytogenetic location: 3q28.
Variant type: single nucleotide variant.
Coding change: c.1087C>T on transcript NM_001375462.1 (MANE Select); coding-DNA position 1087, C replaced by T.
Protein change: p.Pro363Ser; replaces proline 363 with serine.
Molecular consequence: missense variant. On other transcripts: non-coding transcript variant (1), intron variant (1).
Genome position (GRCh38, 1-based): chr3:188,609,818, C>T. VCF-style: chr3-188609818-C-T. GRCh37 (hg19) VCF-style: chr3-188327606-C-T.
Other names: c.1087C>T, p.Pro363Ser (NM_001167671.3, NM_001375455.1, NM_001375456.1 and 28 more transcripts); c.598C>T, p.Pro200Ser (NM_001387675.1, NM_001387676.1); c.672+415C>T (NM_001167672.3); short protein forms P200S, P363S.
Identifiers: ClinVar variation 3046026 (VCV003046026.2), dbSNP rs146042962, ClinGen allele CA2751371.

ClinVar aggregate classification (germline): Benign (0 of 4 stars; one submission).

Conditions:
LPP-related disorder. Also called: LPP-related condition.

Allele frequency attached by ClinVar (database versions not stated): gnomAD exomes 0.00018; ExAC 0.00047; 1000 Genomes Project 0.00080; 1000 Genomes Project 30x 0.00094; ESP Exome Variant Server 0.00132; gnomAD 0.00159; TOPMed 0.00161.
gnomAD v4.1: 511 of 1,612,548 alleles (0.032%); highest among the groups gnomAD compares: African/African-American, 0.54%; no homozygotes.

Submission:

PreventionGenetics, part of Exact Sciences
Classification: Benign for LPP-related condition. Last evaluated: 2019-11-14. Review status: no assertion criteria provided. Collection method: clinical testing. Allele origin: germline.
Comment: This variant is classified as benign based on ACMG/AMP sequence variant interpretation guidelines (Richards et al. 2015 PMID: 25741868, with internal and published modifications).